The following is an entry in ClinVar:

NM_006295.3(VARS1):c.2544+4C>T

Gene: VARS1 (valyl-tRNA synthetase 1; minus strand). Cytogenetic location: 6p21.33.
Variant type: single nucleotide variant.
Coding change: c.2544+4C>T on transcript NM_006295.3 (MANE Select); 4 bases into the intron after coding-DNA position 2544, C replaced by T.
Molecular consequence: intron variant.
Genome position (GRCh38, 1-based): chr6:31,781,477, G>A on the plus strand (C>T on the coding strand, the complement: VARS1 is on the minus strand). VCF-style: chr6-31781477-G-A. GRCh37 (hg19) VCF-style: chr6-31749254-G-A.
Identifiers: ClinVar variation 3188171 (VCV003188171.1), dbSNP rs1287489465, ClinGen allele CA566692003.
Genomic context (GRCh38, chr6:31,781,477, plus strand): 5'-CTGCAGCACAGGACGGTAGGAGAGGAGGCTGGGGGCGATGGGAGGGTCTCGGCTGTCTCC[G>A]CACCTCTCTAAAGGGCAGCCTGCCCGTGAGCTTCAGGCCCAGCATGACCATCCGGGCCAC-3'

ClinVar aggregate classification (germline): Uncertain significance (1 of 4 stars; one submission).

Conditions:
Inborn genetic diseases. Identifiers: MedGen C0950123, MeSH D030342.

Allele frequency attached by ClinVar (database versions not stated): gnomAD exomes 0.00002.
gnomAD v4.1: 24 of 1,611,572 alleles (0.0015%); highest among the groups gnomAD compares: East Asian, 0.0022%; no homozygotes.

Submission:

Ambry Genetics
Classification: Uncertain significance for Inborn genetic diseases. Last evaluated: 2023-12-29. Review status: criteria provided, single submitter. Criteria: Ambry Variant Classification Scheme 2023. Collection method: clinical testing. Allele origin: germline.
Comment: The c.2544+4C>T intronic alteration consists of a C to T substitution nucleotides after coding exon 20 in the VARS gene. Based on insufficient or conflicting evidence, the clinical significance of this alteration remains unclear.